The following is an entry in ClinVar:

NM_003922.4(HERC1):c.8418G>A (p.Ser2806=)

Gene: HERC1 (HECT and RLD domain containing E3 ubiquitin protein ligase family member 1; minus strand). Cytogenetic location: 15q22.31.
Variant type: single nucleotide variant.
Coding change: c.8418G>A on transcript NM_003922.4 (MANE Select); coding-DNA position 8418, G replaced by A.
Protein change: p.Ser2806=; no amino-acid change (serine 2806 retained).
Molecular consequence: synonymous variant.
Genome position (GRCh38, 1-based): chr15:63,666,056, C>T on the plus strand (G>A on the coding strand, the complement: HERC1 is on the minus strand). VCF-style: chr15-63666056-C-T. GRCh37 (hg19) VCF-style: chr15-63958255-C-T.
Identifiers: ClinVar variation 2645434 (VCV002645434.24), dbSNP rs1360576132, ClinGen allele CA490892030.
Genomic context (GRCh38, chr15:63,666,056, plus strand): 5'-ATTTGACTTCCCGCCACTGCCTAGAACGGCTGCTCCAGGCCTAGAGTCTGCTGTGCTGCC[C>T]GACTGGGGCTCCTCTTCATCCTCATGCCCAGGGTGCTCTATCATCCACATGGCAAGGACA-3'
Protein context (NP_003913.3, residues 2796-2816): PGHEDEEEPQ[Ser2806=]GSTADSRPGA

ClinVar aggregate classification (germline): Likely benign (1 of 4 stars; one submission).

Allele frequency attached by ClinVar (database versions not stated): gnomAD 0.00001; gnomAD exomes 0.00001; TOPMed 0.00001.
gnomAD v4.1: 21 of 1,613,882 alleles (0.0013%); highest among the groups gnomAD compares: Middle Eastern, 0.016%; no homozygotes.

Submission:

CeGaT Center for Human Genetics Tuebingen
Classification: Likely benign. Last evaluated: 2023-01-01. Review status: criteria provided, single submitter. Criteria: CeGaT Center For Human Genetics Tuebingen Variant Classification Criteria Version 2. Collection method: clinical testing. Allele origin: germline. Affected: yes. Observed: 1 variant allele.
Comment: HERC1: BP4, BP7